The following is an entry in ClinVar:

ClinVar aggregate classification (germline): Likely pathogenic (1 of 4 stars; one submission).

Conditions:
Neurofibromatosis, type 2 (SWNV). Also called: BILATERAL ACOUSTIC NEUROFIBROMATOSIS; NF2-Related Schwannomatosis; SCHWANNOMATOSIS, VESTIBULAR. Identifiers: Orphanet 637, MedGen C0027832, MONDO:0007039, OMIM 101000. Disease mechanism: loss of function.

Submission:

Baylor Genetics
Classification: Likely pathogenic for Neurofibromatosis, type 2. Last evaluated: 2020-04-30. Review status: criteria provided, single submitter. Criteria: ACMG Guidelines, 2015. Collection method: clinical testing. Allele origin: unknown. Affected: yes.
Comment: This variant was determined to be likely pathogenic according to ACMG Guidelines, 2015 [PMID:25741868].

NM_000268.4(NF2):c.675+5G>T

Gene: NF2 (NF2, moesin-ezrin-radixin like (MERLIN) tumor suppressor; plus strand). Cytogenetic location: 22q12.2.
Variant type: single nucleotide variant.
Coding change: c.675+5G>T on transcript NM_000268.4 (MANE Select); 5 bases into the intron after coding-DNA position 675, G replaced by T.
Molecular consequence: intron variant.
Genome position (GRCh38, 1-based): chr22:29,658,269, G>T. VCF-style: chr22-29658269-G-T. GRCh37 (hg19) VCF-style: chr22-30054258-G-T.
Other names: c.675+5G>T (NM_016418.5, NM_181832.3, NM_181825.3); c.447+15984G>T (NM_181833.3); c.552+5G>T (NM_181829.3); c.549+5G>T (NM_181828.3); c.426+5G>T (NM_181830.3, NM_181831.3).
Identifiers: ClinVar variation 1030707 (VCV001030707.1), dbSNP rs2066373952, ClinGen allele CA2400676897.